The following is an entry in ClinVar:

NM_001999.4(FBN2):c.2975G>C (p.Gly992Ala)

Gene: FBN2 (fibrillin 2; minus strand). Cytogenetic location: 5q23.3.
Variant type: single nucleotide variant.
Coding change: c.2975G>C on transcript NM_001999.4 (MANE Select); coding-DNA position 2975, G replaced by C.
Protein change: p.Gly992Ala; replaces glycine 992 with alanine.
Molecular consequence: missense variant.
Genome position (GRCh38, 1-based): chr5:128,349,361, C>G on the plus strand (G>C on the coding strand, the complement: FBN2 is on the minus strand). VCF-style: chr5-128349361-C-G. GRCh37 (hg19) VCF-style: chr5-127685053-C-G.
Other names: short protein forms G992A.
Identifiers: ClinVar variation 4871248 (VCV004871248.1).

ClinVar aggregate classification (germline): Uncertain significance (1 of 4 stars; one submission).

Conditions:
Familial thoracic aortic aneurysm and aortic dissection (TAAD). Also called: Thoracic aortic aneurysms and dissections. Identifiers: Orphanet 91387, MedGen C4707243, MONDO:0019625.

Submission:

Ambry Genetics
Classification: Uncertain significance for Familial thoracic aortic aneurysm and aortic dissection. Last evaluated: 2026-04-04. Review status: criteria provided, single submitter. Criteria: Ambry Variant Classification Scheme 2023. Collection method: clinical testing. Allele origin: germline.
Comment: The p.G992A variant (also known as c.2975G>C), located in coding exon 23 of the FBN2 gene, results from a G to C substitution at nucleotide position 2975. The glycine at codon 992 is replaced by alanine, an amino acid with similar properties. This amino acid position is conserved. In addition, the in silico prediction for this alteration is inconclusive. Based on the available evidence, the clinical significance of this variant remains unclear.